The following is an entry in ClinVar:

ClinVar aggregate classification (germline): Likely pathogenic (1 of 4 stars; one submission).

Conditions:
Mitochondrial DNA depletion syndrome 20 (mngie type). Also called: MITOCHONDRIAL NEUROGASTROINTESTINAL ENCEPHALOMYOPATHY SYNDROME, LIG3-RELATED. Identifiers: MedGen C5676934, MONDO:0030696, OMIM 619780.

Submission:

Juno Genomics, Hangzhou Juno Genomics, Inc
Classification: Likely pathogenic for Mitochondrial DNA depletion syndrome 20 (mngie type). Review status: criteria provided, single submitter. Criteria: ACMG Guidelines, 2015. Collection method: clinical testing. Allele origin: germline.
Comment: Absent from controls (or at extremely low frequency if recessive) in Genome Aggregation Database.;Null variant in a gene where loss of function (LOF) is a known mechanism of disease.

NM_013975.4(LIG3):c.352C>T (p.Arg118Ter)

Gene: LIG3 (DNA ligase 3; plus strand). Cytogenetic location: 17q12.
Variant type: single nucleotide variant.
Coding change: c.352C>T on transcript NM_013975.4 (MANE Select); coding-DNA position 352, C replaced by T.
Protein change: p.Arg118Ter; replaces arginine 118 with a stop codon.
Molecular consequence: nonsense.
Genome position (GRCh38, 1-based): chr17:34,983,357, C>T. VCF-style: chr17-34983357-C-T. GRCh37 (hg19) VCF-style: chr17-33310376-C-T.
Other names: c.352C>T, p.Arg118Ter (NM_002311.5); short protein forms R118*.
Identifiers: ClinVar variation 5018959 (VCV005018959.2).